The following is an entry in ClinVar:

NM_024642.5(GALNT12):c.1420G>A (p.Val474Ile)

Gene: GALNT12 (polypeptide N-acetylgalactosaminyltransferase 12; plus strand). Cytogenetic location: 9q22.33.
Variant type: single nucleotide variant.
Coding change: c.1420G>A on transcript NM_024642.5 (MANE Select); coding-DNA position 1420, G replaced by A.
Protein change: p.Val474Ile; replaces valine 474 with isoleucine.
Molecular consequence: missense variant.
Genome position (GRCh38, 1-based): chr9:98,844,171, G>A. VCF-style: chr9-98844171-G-A. GRCh37 (hg19) VCF-style: chr9-101606453-G-A.
Other names: short protein forms V474I.
Identifiers: ClinVar variation 819179 (VCV000819179.5), dbSNP rs1588458096, ClinGen allele CA374221481.

ClinVar aggregate classification (germline): Uncertain significance (1 of 4 stars; one submission).

Submission:

Ambry Genetics
Classification: Uncertain significance. Last evaluated: 2024-12-04. Review status: criteria provided, single submitter. Criteria: Ambry Variant Classification Scheme 2023. Collection method: clinical testing. Allele origin: germline.
Comment: The p.V474I variant (also known as c.1420G>A), located in coding exon 8 of the GALNT12 gene, results from a G to A substitution at nucleotide position 1420. The valine at codon 474 is replaced by isoleucine, an amino acid with highly similar properties. This amino acid position is well conserved in available vertebrate species. In addition, this alteration is predicted to be tolerated by BayesDel in silico analysis. Since supporting evidence is limited at this time, the clinical significance of this alteration remains unclear.